The following is an entry in ClinVar:

ClinVar aggregate classification (germline): Uncertain significance. Review status: criteria provided, single submitter (1 of 4 stars). 2 submissions from 2 submitters: Uncertain significance (1). 1 of the submissions does not count toward it. Last evaluated 2026-01-05.

Conditions:
Dystonic disorder. Also called: Dystonia. Identifiers: MedGen C0013421, MONDO:0003441, HP:0001332.
Myoclonic dystonia 11 (DYT11). Also called: Myoclonic dystonia; SGCE Myoclonus-Dystonia; Myoclonus-Dystonia; DYT-SGCE; Dystonia 11; Dystonia, alcohol responsive. Identifiers: Orphanet 36899, MedGen C1834570, MONDO:0008044, OMIM 159900.

Allele frequency attached by ClinVar (database versions not stated): gnomAD exomes 0.00002 and 0.00004; TOPMed 0.00005; ExAC 0.00006; gnomAD 0.00006.
gnomAD v4.1: 48 of 1,614,034 alleles (0.003%); highest among the groups gnomAD compares: African/African-American, 0.013%; no homozygotes.

Submissions (2):

Labcorp Genetics (formerly Invitae), Labcorp
Classification: Uncertain significance for Dystonic disorder. Last evaluated: 2026-01-05. Review status: criteria provided, single submitter. Criteria: Invitae Variant Classification Sherloc (09022015). Collection method: clinical testing. Allele origin: germline.
Comment: This sequence change replaces valine, which is neutral and non-polar, with isoleucine, which is neutral and non-polar, at codon 154 of the DRD2 protein (p.Val154Ile). This variant is present in population databases (rs104894220, gnomAD 0.01%). This missense change has been observed in individual(s) with myoclonus dystonia (PMID: 10220438, 11215567, 22438980). ClinVar contains an entry for this variant (Variation ID: 16771). An algorithm developed to predict the effect of missense changes on protein structure and function (PolyPhen-2) suggests that this variant is likely to be tolerated. In summary, the available evidence is currently insufficient to determine the role of this variant in disease. Therefore, it has been classified as a Variant of Uncertain Significance.

OMIM
Classification: Uncertain significance for RECLASSIFIED - VARIANT OF UNKNOWN SIGNIFICANCE. Last evaluated: 2002-11-01. Review status: no assertion criteria provided. Collection method: literature only. Allele origin: germline. Not counted in ClinVar's aggregate classification.

Literature cited by the submitters: PubMed 10220438 (cited by Labcorp Genetics (formerly Invitae), Labcorp and OMIM); PubMed 11215567 (cited by Labcorp Genetics (formerly Invitae), Labcorp); PubMed 22438980 (cited by Labcorp Genetics (formerly Invitae), Labcorp); PubMed 12402271 (cited by OMIM); PubMed 10716258 (cited by OMIM).

NM_000795.4(DRD2):c.460G>A (p.Val154Ile)

Gene: DRD2 (dopamine receptor D2; minus strand). Cytogenetic location: 11q23.2.
Variant type: single nucleotide variant.
Coding change: c.460G>A on transcript NM_000795.4 (MANE Select); coding-DNA position 460, G replaced by A.
Protein change: p.Val154Ile; replaces valine 154 with isoleucine.
Molecular consequence: missense variant.
Genome position (GRCh38, 1-based): chr11:113,416,935, C>T on the plus strand (G>A on the coding strand, the complement: DRD2 is on the minus strand). VCF-style: chr11-113416935-C-T. GRCh37 (hg19) VCF-style: chr11-113287657-C-T.
Other names: c.460G>A, p.Val154Ile (NM_016574.4); short protein forms V154I.
Identifiers: ClinVar variation 16771 (VCV000016771.2), dbSNP rs104894220, ClinGen allele CA257621.